The following is an entry in ClinVar:

ClinVar aggregate classification (germline): Uncertain significance (1 of 4 stars; one submission).

Allele frequency attached by ClinVar (database versions not stated): gnomAD 0.00001.
gnomAD v4.1: 125 of 1,613,994 alleles (0.0077%); highest among the groups gnomAD compares: Admixed American, 0.012%; no homozygotes.

Submission:

Labcorp Genetics (formerly Invitae), Labcorp
Classification: Uncertain significance. Last evaluated: 2022-06-22. Review status: criteria provided, single submitter. Criteria: Invitae Variant Classification Sherloc (09022015). Collection method: clinical testing. Allele origin: germline.
Comment: In summary, the available evidence is currently insufficient to determine the role of this variant in disease. Therefore, it has been classified as a Variant of Uncertain Significance. Algorithms developed to predict the effect of missense changes on protein structure and function output the following: SIFT: "Tolerated"; PolyPhen-2: "Benign"; Align-GVGD: "Class C0". The glutamine amino acid residue is found in multiple mammalian species, which suggests that this missense change does not adversely affect protein function. This variant has not been reported in the literature in individuals affected with MACF1-related conditions. This variant is present in population databases (rs142001499, gnomAD 0.02%). This sequence change replaces arginine, which is basic and polar, with glutamine, which is neutral and polar, at codon 1833 of the MACF1 protein (p.Arg1833Gln).

NM_001394062.1(MACF1):c.11684G>A (p.Arg3895Gln)

Gene: MACF1 (microtubule actin crosslinking factor 1; plus strand). Cytogenetic location: 1p34.3.
Variant type: single nucleotide variant.
Coding change: c.11684G>A on transcript NM_001394062.1 (MANE Select); coding-DNA position 11684, G replaced by A.
Protein change: p.Arg3895Gln; replaces arginine 3895 with glutamine.
Molecular consequence: missense variant.
Genome position (GRCh38, 1-based): chr1:39,357,634, G>A. VCF-style: chr1-39357634-G-A. GRCh37 (hg19) VCF-style: chr1-39823306-G-A.
Other names: c.5498G>A, p.Arg1833Gln (NM_012090.5); short protein forms R3895Q, R1833Q.
Identifiers: ClinVar variation 2070297 (VCV002070297.4), dbSNP rs142001499, ClinGen allele CA781638.